The following is an entry in ClinVar:

NM_001365276.2(TNXB):c.12683C>T (p.Thr4228Met)

Genes: CYP21A2 (cytochrome P450 family 21 subfamily A member 2; plus strand), TNXB (tenascin XB; minus strand). Cytogenetic location: 6p21.33.
Variant type: single nucleotide variant.
Coding change: c.12683C>T on transcript NM_001365276.2 (MANE Select); coding-DNA position 12683, C replaced by T.
Protein change: p.Thr4228Met; replaces threonine 4228 with methionine.
Molecular consequence: missense variant. On other transcripts: 3 prime UTR variant (4).
Genome position (GRCh38, 1-based): chr6:32,041,401, G>A on the plus strand (C>T on the coding strand, the complement: TNXB is on the minus strand). VCF-style: chr6-32041401-G-A. GRCh37 (hg19) VCF-style: chr6-32009178-G-A.
Other names: c.*267G>A (NM_000500.9, NM_001128590.4, NM_001368143.2 and 1 more transcripts); c.13424C>T, p.Thr4475Met (NM_001428335.1); c.12677C>T, p.Thr4226Met (NM_019105.8); c.1970C>T, p.Thr657Met (NM_032470.4); short protein forms T4226M, T4228M, T4475M, T657M.
Identifiers: ClinVar variation 3376214 (VCV003376214.1).

ClinVar aggregate classification (germline): Uncertain significance (1 of 4 stars; one submission).

Conditions:
Vesicoureteral reflux 8 (VUR8). Identifiers: Orphanet 289365, MedGen C4014831, MONDO:0014422, OMIM 615963.

Submission:

Pittsburgh Clinical Genomics Laboratory, University of Pittsburgh Medical Center
Classification: Uncertain significance for Vesicoureteral reflux 8. Last evaluated: 2022-08-23. Review status: criteria provided, single submitter. Criteria: ACMG Guidelines, 2015. Collection method: clinical testing. Allele origin: germline. Inheritance: Autosomal unknown. Affected: yes.
Comment: This sequence variant is a single nucleotide substitution (C>T) at coding nucleotide 12677 of the TNXB gene which results in a threonine to methionine amino acid change at residue 4226 in the TNXB-encoded Tescin-X protein. This variant has not been reported in clinical genetics databases or observed in the medical literature in individuals with TNXB-related disease, to our knowledge. This variant is present in 3/177804 alleles (0.002%) in the gnomAD control population dataset, though population counts in this region may be iccurate due to pseudogene homology. The variant alters an amino acid in the tescin-X fibrinogen C-termil domain (Uniprot). Multiple bioinformatic tools predict that this variant is likely to be damaging, and threonine is highly conserved at this protein position in vertebrates. Functiol studies testing the effects of this variant have not been performed, to our knowledge. At this time, there is insufficient evidence to determine if this variant is pathogenic or benign. Therefore, we consider it to be a variant of uncertain significance. ACMG Criteria: PM2, PP3